The following is an entry in ClinVar:

ClinVar aggregate classification (germline): Uncertain significance (1 of 4 stars; one submission).

Submission:

Labcorp Genetics (formerly Invitae), Labcorp
Classification: Uncertain significance. Last evaluated: 2024-08-28. Review status: criteria provided, single submitter. Criteria: Invitae Variant Classification Sherloc (09022015). Collection method: clinical testing. Allele origin: germline.
Comment: This sequence change creates a premature translational stop signal (p.Glu838Aspfs*20) in the SLCO5A1 gene. While this is not anticipated to result in nonsense mediated decay, it is expected to disrupt the last 11 amino acid(s) of the SLCO5A1 protein. This variant is present in population databases (no rsID available, gnomAD 0.0009%). This variant has not been reported in the literature in individuals affected with SLCO5A1-related conditions. Experimental studies and prediction algorithms are not available or were not evaluated, and the functional significance of this variant is currently unknown. In summary, the available evidence is currently insufficient to determine the role of this variant in disease. Therefore, it has been classified as a Variant of Uncertain Significance.

NM_030958.3(SLCO5A1):c.2513_2514insC (p.Glu838fs)

Gene: SLCO5A1 (solute carrier organic anion transporter family member 5A1; minus strand). Cytogenetic location: 8q13.3.
Variant type: Insertion.
Coding change: c.2513_2514insC on transcript NM_030958.3 (MANE Select); coding-DNA positions 2513 to 2514, C inserted.
Protein change: p.Glu838fs; shifts the reading frame from glutamic acid 838.
Molecular consequence: frameshift variant. On other transcripts: 3 prime UTR variant (1).
Genome position: GRCh38 VCF-style: chr8-69672902-T-TG. GRCh37 (hg19) VCF-style: chr8-70585137-T-TG.
Other names: c.*384_*385insC (NM_001146008.2); c.2348_2349insC, p.Glu783fs (NM_001146009.1); short protein forms E838fs, E783fs.
Identifiers: ClinVar variation 3670780 (VCV003670780.2).